The following is an entry in ClinVar:

ClinVar aggregate classification (germline): Conflicting classifications of pathogenicity. Review status: criteria provided, conflicting classifications (1 of 4 stars). 9 submissions from 8 submitters: Uncertain significance (4); Likely benign (4). 1 of the submissions does not count toward it. Last evaluated 2026-04-17.

Conditions:
Inflammatory bowel disease 1 (IBD1). Also called: Inflammatory bowel disease 1, Crohn disease; INFLAMMATORY BOWEL DISEASE (CROHN DISEASE) 1. Identifiers: MedGen CN260071, MONDO:0009960, OMIM 266600.
Yao syndrome. Also called: Susceptibility to Yao syndrome. Identifiers: MedGen C4310620, MONDO:0015019, OMIM 617321.
Blau syndrome (BLAUS). Also called: GRANULOMATOSIS, FAMILIAL JUVENILE SYSTEMIC; GRANULOMATOSIS, FAMILIAL, BLAU TYPE; GRANULOMATOUS INFLAMMATORY ARTHRITIS, DERMATITIS, AND UVEITIS, FAMILIAL; JABS SYNDROME; ARTHROCUTANEOUVEAL GRANULOMATOSIS. Identifiers: Orphanet 90340, MedGen C5201146, MONDO:0008523, OMIM 186580.
Regional enteritis. Also called: Enteritis, Granulomatous. Identifiers: MedGen C0678202, MeSH D003424.

Allele frequency attached by ClinVar (database versions not stated): ExAC 0.00008; gnomAD exomes 0.00008 and 0.00014; gnomAD 0.00009 and 0.00010; TOPMed 0.00009; ESP Exome Variant Server 0.00015; 1000 Genomes Project 30x 0.00016; 1000 Genomes Project 0.00020.
gnomAD v4.1: 226 of 1,613,572 alleles (0.014%); highest among the groups gnomAD compares: Non-Finnish European, 0.017%; no homozygotes.

Submissions (9):

Women's Health and Genetics/Laboratory Corporation of America, LabCorp
Classification: Likely benign. Last evaluated: 2026-04-17. Review status: criteria provided, single submitter. Criteria: LabCorp Variant Classification Summary - May 2015. Collection method: clinical testing. Allele origin: germline.
Comment: Variant summary: NOD2 c.413G>A (p.Arg138Gln) results in a conservative amino acid change in the encoded protein sequence. Algorithms developed to predict the effect of missense changes on protein structure and function are either unavailable or do not agree on the potential impact of this missense change. The variant allele was found at a frequency of 7.6e-05 in 250786 control chromosomes. The observed variant frequency exceeds the estimated maximal expected allele frequency for disease-causing variants in NOD2. c.413G>A has been observed in individual(s) affected with Crohn disease (Lesage_2002). These report(s) do not provide unequivocal conclusions about association of the variant with Blau syndrome. Two publications report experimental evidence evaluating an impact on protein function, however, none of these studies allows convincing conclusions about the variant effect. The following publications have been ascertained in the context of this evaluation (PMID: 11875755, 12626759, 26500656). ClinVar contains an entry for this variant (Variation ID: 97877). Based on the evidence outlined above, the variant was classified as likely benign.

CeGaT Center for Human Genetics Tuebingen
Classification: Likely benign. Last evaluated: 2025-11-01. Review status: criteria provided, single submitter. Criteria: CeGaT Center For Human Genetics Tuebingen Variant Classification Criteria Version 2. Collection method: clinical testing. Allele origin: germline. Affected: yes. Observed: 1 variant allele.
Comment: NOD2: BP4, BS2

Labcorp Genetics (formerly Invitae), Labcorp
Classification: Uncertain significance for Regional enteritis; Blau syndrome. Last evaluated: 2025-07-08. Review status: criteria provided, single submitter. Criteria: Invitae Variant Classification Sherloc (09022015). Collection method: clinical testing. Allele origin: germline.
Comment: This sequence change replaces arginine, which is basic and polar, with glutamine, which is neutral and polar, at codon 138 of the NOD2 protein (p.Arg138Gln). This variant is present in population databases (rs104895456, gnomAD 0.02%). This missense change has been observed in individual(s) with Crohn's disease (PMID: 11875755). ClinVar contains an entry for this variant (Variation ID: 97877). Invitae Evidence Modeling of protein sequence and biophysical properties (such as structural, functional, and spatial information, amino acid conservation, physicochemical variation, residue mobility, and thermodynamic stability) has been performed for this missense variant. However, the output from this modeling did not meet the statistical confidence thresholds required to predict the impact of this variant on NOD2 protein function. Experimental studies have shown that this missense change affects NOD2 function (PMID: 12626759, 26500656). In summary, the available evidence is currently insufficient to determine the role of this variant in disease. Therefore, it has been classified as a Variant of Uncertain Significance.

Mayo Clinic Laboratories, Mayo Clinic
Classification: Uncertain significance. Last evaluated: 2025-06-24. Review status: criteria provided, single submitter. Criteria: ACMG Guidelines, 2015. Collection method: clinical testing. Allele origin: germline. Observed: 1 variant allele.
Comment: BP4_moderate, PS3_moderate

GeneDx
Classification: Uncertain significance. Last evaluated: 2025-03-13. Review status: criteria provided, single submitter. Criteria: GeneDx Variant Classification Process June 2021. Collection method: clinical testing. Allele origin: germline.
Comment: In silico analysis supports that this missense variant has a deleterious effect on protein structure/function; Published functional studies demonstrate a damaging effect on protein function (PMID: 26500656, 12626759); This variant is associated with the following publications: (PMID: 32677123, 36006803, 35273242, 26500656, 12626759, 36199823, 11875755)

Fulgent Genetics
Classification: Uncertain significance for Blau syndrome; Inflammatory bowel disease 1; Yao syndrome. Last evaluated: 2024-06-21. Review status: criteria provided, single submitter. Criteria: ACMG Guidelines, 2015. Collection method: clinical testing. Allele origin: germline.

Illumina Laboratory Services, Illumina
Classification: Likely benign for Inflammatory bowel disease 1. Last evaluated: 2017-04-27. Review status: criteria provided, single submitter. Criteria: ICSL Variant Classification Criteria 13 December 2019. Collection method: clinical testing. Allele origin: germline.
Comment: This variant was observed as part of a predisposition screen in an ostensibly healthy population. A literature search was performed for the gene, cDNA change, and amino acid change (where applicable). Publications were found based on this search. The evidence from the literature, in combination with allele frequency data from public databases where available, was sufficient to determine this variant is unlikely to cause disease. Therefore, this variant is classified as likely benign.

Illumina Laboratory Services, Illumina
Classification: Likely benign for Blau syndrome. Last evaluated: 2017-04-27. Review status: criteria provided, single submitter. Criteria: ICSL Variant Classification Criteria 13 December 2019. Collection method: clinical testing. Allele origin: germline.
Comment: This variant was observed as part of a predisposition screen in an ostensibly healthy population. A literature search was performed for the gene, cDNA change, and amino acid change (where applicable). No publications were found based on this search. Allele frequency data from public databases allowed determination this variant is unlikely to cause disease. Therefore, this variant is classified as likely benign.

Unité médicale des maladies autoinflammatoires, CHRU Montpellier
No classification provided. Condition: Sarcoidosis, early-onset. Review status: no classification provided. Collection method: not provided. Allele origin: unknown. Not counted in ClinVar's aggregate classification.
Comment: also involved in OMIM 186580 and 266600

Literature cited by the submitters: PubMed 12626759 (cited by 4 submitters); PubMed 11875755 (cited by 4 submitters); PubMed 26500656 (cited by 4 submitters); PubMed 16485124 (cited by Mayo Clinic Laboratories, Mayo Clinic and Illumina Laboratory Services, Illumina); PubMed 32677123 (cited by Mayo Clinic Laboratories, Mayo Clinic); PubMed 35273242 (cited by Mayo Clinic Laboratories, Mayo Clinic); PubMed 36006803 (cited by Mayo Clinic Laboratories, Mayo Clinic); PubMed 36161322 (cited by Mayo Clinic Laboratories, Mayo Clinic).

NM_001370466.1(NOD2):c.332G>A (p.Arg111Gln)

Gene: NOD2 (nucleotide binding oligomerization domain containing 2; plus strand). Cytogenetic location: 16q12.1.
Variant type: single nucleotide variant.
Coding change: c.332G>A on transcript NM_001370466.1 (MANE Select); coding-DNA position 332, G replaced by A.
Protein change: p.Arg111Gln; replaces arginine 111 with glutamine.
Molecular consequence: missense variant. On other transcripts: non-coding transcript variant (1).
Genome position (GRCh38, 1-based): chr16:50,699,827, G>A. VCF-style: chr16-50699827-G-A. GRCh37 (hg19) VCF-style: chr16-50733738-G-A.
Other names: p.Arg138Gln; c.413G>A (LRG_177t1); c.332G>A, p.Arg111Gln (NM_001293557.2); c.413G>A, p.Arg138Gln (NM_022162.3); short protein forms R138Q, R111Q.
Identifiers: ClinVar variation 97877 (VCV000097877.23), dbSNP rs104895456, ClinGen allele CA150333.